The following is an entry in ClinVar:

ClinVar aggregate classification (germline): Pathogenic/Likely pathogenic. Review status: criteria provided, multiple submitters, no conflicts (2 of 4 stars). 2 submissions from 2 submitters: Pathogenic (1); Likely pathogenic (1). Last evaluated 2022-01-12.

Conditions:
Autosomal recessive limb-girdle muscular dystrophy. Identifiers: Orphanet 102015, MedGen C2931907, MONDO:0015152.
Neuromuscular disease caused by qualitative or quantitative defects of dysferlin. Also called: Qualitative or quantitative defects of dysferlin; Dysferlinopathy. Identifiers: Orphanet 207073, MedGen C2931687, MONDO:0016145.

Submissions (2):

Labcorp Genetics (formerly Invitae), Labcorp
Classification: Pathogenic for Neuromuscular disease caused by qualitative or quantitative defects of dysferlin. Last evaluated: 2022-01-12. Review status: criteria provided, single submitter. Criteria: Invitae Variant Classification Sherloc (09022015). Collection method: clinical testing. Allele origin: germline.
Comment: ClinVar contains an entry for this variant (Variation ID: 984125). This variant has not been reported in the literature in individuals affected with DYSF-related conditions. This variant is not present in population databases (gnomAD no frequency). This sequence change creates a premature translational stop signal (p.Cys1621*) in the DYSF gene. It is expected to result in an absent or disrupted protein product. Loss-of-function variants in DYSF are known to be pathogenic (PMID: 17698709, 20301480). For these reasons, this variant has been classified as Pathogenic.

Myriad Genetics, Inc.
Classification: Likely pathogenic for Autosomal recessive limb-girdle muscular dystrophy. Last evaluated: 2020-03-15. Review status: criteria provided, single submitter. Criteria: Myriad Autosomal Dominant, Autosomal Recessive and X-Linked Classification Criteria (2023). Collection method: clinical testing. Allele origin: unknown.
Comment: NM_003494.3(DYSF):c.4863C>A(C1621*) is expected to be pathogenic in the context of dysferlinopathy. This variant is predicted to lead to an abnormal or absent protein product due to the creation of a premature termination codon in DYSF, a gene where loss-of-function variants are known to be pathogenic. Please note: this variant was assessed in the context of healthy population screening.

Literature cited by the submitters: PubMed 17698709 (cited by Labcorp Genetics (formerly Invitae), Labcorp); PubMed 20301480 (cited by Labcorp Genetics (formerly Invitae), Labcorp).

NM_001130987.2(DYSF):c.4980C>A (p.Cys1660Ter)

Gene: DYSF (dysferlin; plus strand). Cytogenetic location: 2p13.2.
Variant type: single nucleotide variant.
Coding change: c.4980C>A on transcript NM_001130987.2 (MANE Select); coding-DNA position 4980, C replaced by A.
Protein change: p.Cys1660Ter; replaces cysteine 1660 with a stop codon.
Molecular consequence: nonsense.
Genome position (GRCh38, 1-based): chr2:71,660,628, C>A. VCF-style: chr2-71660628-C-A. GRCh37 (hg19) VCF-style: chr2-71887758-C-A.
Other names: c.4956C>A, p.Cys1652Ter (NM_001130979.2); c.4914C>A, p.Cys1638Ter (NM_001130980.2); c.4977C>A, p.Cys1659Ter (NM_001130981.2); c.4959C>A, p.Cys1653Ter (NM_001130982.2); c.4929C>A, p.Cys1643Ter (NM_001130983.2); c.4887C>A, p.Cys1629Ter (NM_001130984.2); c.4917C>A, p.Cys1639Ter (NM_001130985.2); c.4824C>A, p.Cys1608Ter (NM_001130986.2); and 5 more; short protein forms C1607*, C1608*, C1621*, C1622*, C1628*, C1629*, C1638*, C1639*.
Identifiers: ClinVar variation 984125 (VCV000984125.9), dbSNP rs2094861411, ClinGen allele CA347220083.
Genomic context (GRCh38, chr2:71,660,628, plus strand): 5'-TTACATCAAGATCTCCATAGGGAAGAAATCAGTGAGTGACCAGGATAACTACATCCCCTG[C>A]ACGCTGGAGCCCGTATTTGGAAAGTAAATTGGGGCATCTTGGGTCTTGGGGTGGAGGAGC-3'